The following is an entry in ClinVar:

ClinVar aggregate classification (germline): Uncertain significance (1 of 4 stars; one submission).

Conditions:
Dyskeratosis congenita. Identifiers: Orphanet 1775, MedGen C0265965, MONDO:0015780.

Submission:

Ambry Genetics
Classification: Uncertain significance for Dyskeratosis congenita. Last evaluated: 2023-10-19. Review status: criteria provided, single submitter. Criteria: Ambry Variant Classification Scheme 2023. Collection method: clinical testing. Allele origin: germline.
Comment: The p.L178F variant (also known as c.532C>T), located in coding exon 2 of the TERT gene, results from a C to T substitution at nucleotide position 532. The leucine at codon 178 is replaced by phenylalanine, an amino acid with highly similar properties. This amino acid position is conserved. In addition, the in silico prediction for this alteration is inconclusive. Since supporting evidence is limited at this time, the clinical significance of this alteration remains unclear.

NM_198253.3(TERT):c.532C>T (p.Leu178Phe)

Gene: TERT (telomerase reverse transcriptase; minus strand). Cytogenetic location: 5p15.33.
Variant type: single nucleotide variant.
Coding change: c.532C>T on transcript NM_198253.3 (MANE Select); coding-DNA position 532, C replaced by T.
Protein change: p.Leu178Phe; replaces leucine 178 with phenylalanine.
Molecular consequence: missense variant. On other transcripts: non-coding transcript variant (2).
Genome position (GRCh38, 1-based): chr5:1,294,354, G>A on the plus strand (C>T on the coding strand, the complement: TERT is on the minus strand). VCF-style: chr5-1294354-G-A. GRCh37 (hg19) VCF-style: chr5-1294469-G-A.
Other names: c.532C>T, p.Leu178Phe (NM_001193376.3, NM_003219.1); short protein forms L178F.
Identifiers: ClinVar variation 3238470 (VCV003238470.1), dbSNP rs2126689432.